The following is an entry in ClinVar:

NM_005045.4(RELN):c.4918A>G (p.Ile1640Val)

Gene: RELN (reelin; minus strand). Cytogenetic location: 7q22.1.
Variant type: single nucleotide variant.
Coding change: c.4918A>G on transcript NM_005045.4 (MANE Select); coding-DNA position 4918, A replaced by G.
Protein change: p.Ile1640Val; replaces isoleucine 1640 with valine.
Molecular consequence: missense variant.
Genome position (GRCh38, 1-based): chr7:103,566,242, T>C on the plus strand (A>G on the coding strand, the complement: RELN is on the minus strand). VCF-style: chr7-103566242-T-C. GRCh37 (hg19) VCF-style: chr7-103206689-T-C.
Other names: c.4918A>G, p.Ile1640Val (NM_173054.3); short protein forms I1640V.
Identifiers: ClinVar variation 1032971 (VCV001032971.9), dbSNP rs756988903, ClinGen allele CA4421380.
Genomic context (GRCh38, chr7:103,566,242, plus strand): 5'-AGTTAATCAGATATTTTCCCTTTATCTGGTGACAATATATACCTATGTTTTCAGTGAATA[T>C]CAGAGCAGTATCCATAGAGAGACAGTCAATATCAACTTGACCTCCTTGGATTCGATACCA-3'
Protein context (NP_005036.2, residues 1630-1650): IDCLSMDTAL[Ile1640Val]FTENIGKPRY

ClinVar aggregate classification (germline): Conflicting classifications of pathogenicity. Review status: criteria provided, conflicting classifications (1 of 4 stars). 2 submissions from 2 submitters: Uncertain significance (1); Likely benign (1). Last evaluated 2022-12-06.

Conditions:
Norman-Roberts syndrome (LIS2). Also called: Lissencephaly 2 (Norman-Roberts type). Identifiers: Orphanet 89844, MedGen C0796089, MONDO:0009760, OMIM 257320.
Familial temporal lobe epilepsy 7. Identifiers: Orphanet 101046, MedGen C4225327, MONDO:0014639, OMIM 616436.

Allele frequency attached by ClinVar (database versions not stated): gnomAD 0.00001; ExAC 0.00003; gnomAD exomes 0.00003.
gnomAD v4.1: 18 of 1,613,436 alleles (0.0011%); highest among the groups gnomAD compares: East Asian, 0.038%; no homozygotes.

Submissions (2):

Labcorp Genetics (formerly Invitae), Labcorp
Classification: Likely benign for Familial temporal lobe epilepsy 7; Norman-Roberts syndrome. Last evaluated: 2022-12-06. Review status: criteria provided, single submitter. Criteria: Invitae Variant Classification Sherloc (09022015). Collection method: clinical testing. Allele origin: germline.

Baylor Genetics
Classification: Uncertain significance for Norman-Roberts syndrome. Last evaluated: 2018-01-26. Review status: criteria provided, single submitter. Criteria: ACMG Guidelines, 2015. Collection method: clinical testing. Allele origin: paternal. Affected: yes.
Comment: This variant was determined to be of uncertain significance according to ACMG Guidelines, 2015 [PMID:25741868].